The following is an entry in ClinVar:

NM_000515.5(GH1):c.-5C>T

Genes: GH-LCR (growth hormone locus control region; plus strand), GH1 (growth hormone 1; minus strand). Cytogenetic location: 17q23.3.
Variant type: single nucleotide variant.
Coding change: c.-5C>T on transcript NM_000515.5 (MANE Select); 5 bases upstream of the start codon, C replaced by T.
Molecular consequence: 5 prime UTR variant.
Genome position (GRCh38, 1-based): chr17:63,918,781, G>A on the plus strand (C>T on the coding strand, the complement: GH1 is on the minus strand). VCF-style: chr17-63918781-G-A. GRCh37 (hg19) VCF-style: chr17-61996141-G-A.
Other names: c.-5C>T (NM_022559.4, NM_022560.4).
Identifiers: ClinVar variation 2648085 (VCV002648085.26), dbSNP rs771309275, ClinGen allele CA8708430.
Genomic context (GRCh38, chr17:63,918,781, plus strand): 5'-TCCCCTCAGGACACATTGTGCCCAAAGGGATTTTAGGGGCGCTTACCTGTAGCCATTGCA[G>A]CTAGGTGAGCTGTCCACAGGACCCTGAGTGGTTCGGGGAGTTGGGCCTTGGGATCCTTGA-3'

ClinVar aggregate classification (germline): Uncertain significance. Review status: criteria provided, multiple submitters, no conflicts (2 of 4 stars). 3 submissions from 3 submitters: Uncertain significance (3). Last evaluated 2025-08-11.

Allele frequency attached by ClinVar (database versions not stated): ExAC 0.00021; gnomAD exomes 0.00029; gnomAD 0.00039.
gnomAD v4.1: 491 of 1,613,266 alleles (0.03%); highest among the groups gnomAD compares: Middle Eastern, 0.099%; no homozygotes.

Submissions (3):

GeneDx
Classification: Uncertain significance. Last evaluated: 2025-08-11. Review status: criteria provided, single submitter. Criteria: GeneDx Variant Classification Process June 2021. Collection method: clinical testing. Allele origin: germline. Affected: yes.
Comment: Alters the Kozak sequence, which plays a major role in the initiation of translation; Nucleotide is not conserved across species and the substitution has no predicted effect on splicing; Has not been previously published as pathogenic or benign to our knowledge

Women's Health and Genetics/Laboratory Corporation of America, LabCorp
Classification: Uncertain significance. Last evaluated: 2023-12-22. Review status: criteria provided, single submitter. Criteria: LabCorp Variant Classification Summary - May 2015. Collection method: clinical testing. Allele origin: germline.
Comment: Variant summary: GH1 c.-5C>T is located in the untranslated mRNA region upstream of the initiation codon. The variant allele was found at a frequency of 0.00021 in 251126 control chromosomes. To our knowledge, no occurrence of c.-5C>T in individuals affected with Idiopathic Growth Hormone Deficiency, Idiopathic Growth Hormone Deficiency Type II and no experimental evidence demonstrating its impact on protein function have been reported. One submitter has cited clinical-significance assessments for this variant to ClinVar after 2014 and has classified the variant as uncertain significance. Based on the evidence outlined above, the variant was classified as uncertain significance.

CeGaT Center for Human Genetics Tuebingen
Classification: Uncertain significance. Last evaluated: 2022-08-01. Review status: criteria provided, single submitter. Criteria: CeGaT Center For Human Genetics Tuebingen Variant Classification Criteria Version 2. Collection method: clinical testing. Allele origin: germline. Affected: yes. Observed: 1 variant allele.
Comment: GH1: PM2:Supporting, BP4